The following is an entry in ClinVar:

ClinVar aggregate classification (germline): Likely benign. Review status: criteria provided, multiple submitters, no conflicts (2 of 4 stars). 3 submissions from 3 submitters: Likely benign (2). 1 of the submissions does not count toward it. Last evaluated 2025-12-17.

Conditions:
ABCC6-related disorder. Also called: ABCC6-related condition.

Allele frequency attached by ClinVar (database versions not stated): gnomAD 0.00002; gnomAD exomes 0.00006 and 0.00030; TOPMed 0.00013; ExAC 0.00032.
gnomAD v4.1: 90 of 1,614,060 alleles (0.0056%); highest among the groups gnomAD compares: Admixed American, 0.15%; 1 homozygote.

Submissions (3):

Labcorp Genetics (formerly Invitae), Labcorp
Classification: Likely benign. Last evaluated: 2025-12-17. Review status: criteria provided, single submitter. Criteria: Invitae Variant Classification Sherloc (09022015). Collection method: clinical testing. Allele origin: germline.

Blueprint Genetics
Classification: Likely benign. Last evaluated: 2022-09-29. Review status: criteria provided, single submitter. Criteria: ACMG Guidelines, 2015. Collection method: clinical testing. Allele origin: germline.

PreventionGenetics, part of Exact Sciences
Classification: Likely benign for ABCC6-related condition. Last evaluated: 2023-10-02. Review status: no assertion criteria provided. Collection method: clinical testing. Allele origin: germline. Not counted in ClinVar's aggregate classification.
Comment: This variant is classified as likely benign based on ACMG/AMP sequence variant interpretation guidelines (Richards et al. 2015 PMID: 25741868, with internal and published modifications).

NM_001171.6(ABCC6):c.3644C>T (p.Thr1215Ile)

Gene: ABCC6 (ATP binding cassette subfamily C member 6; minus strand). Cytogenetic location: 16p13.11.
Variant type: single nucleotide variant.
Coding change: c.3644C>T on transcript NM_001171.6 (MANE Select); coding-DNA position 3644, C replaced by T.
Protein change: p.Thr1215Ile; replaces threonine 1215 with isoleucine.
Molecular consequence: missense variant. On other transcripts: non-coding transcript variant (1).
Genome position (GRCh38, 1-based): chr16:16,159,573, G>A on the plus strand (C>T on the coding strand, the complement: ABCC6 is on the minus strand). VCF-style: chr16-16159573-G-A. GRCh37 (hg19) VCF-style: chr16-16253430-G-A.
Other names: c.3302C>T, p.Thr1101Ile (NM_001351800.1); short protein forms T1215I, T1101I.
Identifiers: ClinVar variation 744866 (VCV000744866.11), dbSNP rs764318423, ClinGen allele CA7925492.